The following is an entry in ClinVar:

ClinVar aggregate classification (germline): Pathogenic (1 of 4 stars; one submission).

Conditions:
Senior-Loken syndrome 7 (SLSN7). Identifiers: Orphanet 3156, MedGen C3150877, MONDO:0013326, OMIM 613615.
Bardet-Biedl syndrome 16 (BBS16). Identifiers: Orphanet 110, MedGen C3889474, MONDO:0014444, OMIM 615993.

Submission:

Labcorp Genetics (formerly Invitae), Labcorp
Classification: Pathogenic for Bardet-Biedl syndrome 16; Senior-Loken syndrome 7. Last evaluated: 2022-11-22. Review status: criteria provided, single submitter. Criteria: Invitae Variant Classification Sherloc (09022015). Collection method: clinical testing. Allele origin: germline.
Comment: This variant has not been reported in the literature in individuals affected with SDCCAG8-related conditions. For these reasons, this variant has been classified as Pathogenic. Algorithms developed to predict the effect of sequence changes on RNA splicing suggest that this variant may disrupt the consensus splice site. ClinVar contains an entry for this variant (Variation ID: 838639). This variant is not present in population databases (gnomAD no frequency). This sequence change creates a premature translational stop signal (p.Leu588*) in the SDCCAG8 gene. It is expected to result in an absent or disrupted protein product. Loss-of-function variants in SDCCAG8 are known to be pathogenic (PMID: 20835237, 22190896).

Literature cited by the submitters: PubMed 20835237; PubMed 22190896.

NM_006642.5(SDCCAG8):c.1763T>A (p.Leu588Ter)

Gene: SDCCAG8 (SHH signaling and ciliogenesis regulator SDCCAG8; plus strand). Cytogenetic location: 1q43.
Variant type: single nucleotide variant.
Coding change: c.1763T>A on transcript NM_006642.5 (MANE Select); coding-DNA position 1763, T replaced by A.
Protein change: p.Leu588Ter; replaces leucine 588 with a stop codon.
Molecular consequence: nonsense.
Genome position (GRCh38, 1-based): chr1:243,417,986, T>A. VCF-style: chr1-243417986-T-A. GRCh37 (hg19) VCF-style: chr1-243581288-T-A.
Other names: c.860T>A, p.Leu287Ter (NM_001350246.2, NM_001350247.2, NM_001350251.2); c.1859T>A, p.Leu620Ter (NM_001350248.2); c.1469T>A, p.Leu490Ter (NM_001350249.2); short protein forms L287*, L490*, L588*, L620*.
Identifiers: ClinVar variation 838639 (VCV000838639.7), dbSNP rs2080721288, ClinGen allele CA345667416.